The following is an entry in ClinVar:

NM_000487.6(ARSA):c.331G>A (p.Glu111Lys)

Gene: ARSA (arylsulfatase A; minus strand). Cytogenetic location: 22q13.33.
Variant type: single nucleotide variant.
Coding change: c.331G>A on transcript NM_000487.6 (MANE Select); coding-DNA position 331, G replaced by A.
Protein change: p.Glu111Lys; replaces glutamic acid 111 with lysine.
Molecular consequence: missense variant.
Genome position (GRCh38, 1-based): chr22:50,627,300, C>T on the plus strand (G>A on the coding strand, the complement: ARSA is on the minus strand). VCF-style: chr22-50627300-C-T. GRCh37 (hg19) VCF-style: chr22-51065728-C-T.
Other names: c.331G>A, p.Glu111Lys (NM_001085425.3, NM_001085426.3, NM_001085427.3); c.73G>A, p.Glu25Lys (NM_001085428.3, NM_001362782.2); short protein forms E111K, E25K.
Identifiers: ClinVar variation 4685283 (VCV004685283.1).

ClinVar aggregate classification (germline): Uncertain significance (1 of 4 stars; one submission).

gnomAD v4.1: 9 of 1,587,112 alleles (0.00057%); highest among the groups gnomAD compares: South Asian, 0.0023%; no homozygotes.

Submission:

GeneDx
Classification: Uncertain significance. Last evaluated: 2025-07-11. Review status: criteria provided, single submitter. Criteria: GeneDx Variant Classification Process June 2021. Collection method: clinical testing. Allele origin: germline. Affected: yes.
Comment: Not observed at significant frequency in large population cohorts (gnomAD); In silico analysis supports that this missense variant has a deleterious effect on protein structure/function; Has not been previously published as pathogenic or benign to our knowledge